The following is an entry in ClinVar:

ClinVar aggregate classification (germline): Uncertain significance (1 of 4 stars; one submission).

Conditions:
ATP6V0A4-related disorder. Also called: ATP6V0A4-related condition.

gnomAD v4.1: 7 of 1,609,886 alleles (0.00043%); highest among the groups gnomAD compares: Non-Finnish European, 0.00059%; no homozygotes.

Submission:

PreventionGenetics, part of Exact Sciences
Classification: Uncertain significance for ATP6V0A4-related condition. Last evaluated: 2026-08-20. Review status: criteria provided, single submitter. Criteria: ACMG Guidelines, 2015. Collection method: clinical testing. Allele origin: germline.
Comment: The ATP6V0A4 c.1357C>T variant is not predicted to result in an amino acid change (p.=). To our knowledge, this variant has not been reported in the literature or in a large population database (gnomAD), indicating this variant is rare. At this time, the clinical significance of this variant is uncertain due to the absence of conclusive functional and genetic evidence.

NM_020632.3(ATP6V0A4):c.1357C>T (p.Leu453=)

Gene: ATP6V0A4 (ATPase H+ transporting V0 subunit a4; minus strand). Cytogenetic location: 7q34.
Variant type: single nucleotide variant.
Coding change: c.1357C>T on transcript NM_020632.3 (MANE Select); coding-DNA position 1357, C replaced by T.
Protein change: p.Leu453=; no amino-acid change (leucine 453 retained).
Molecular consequence: synonymous variant.
Genome position (GRCh38, 1-based): chr7:138,745,244, G>A on the plus strand (C>T on the coding strand, the complement: ATP6V0A4 is on the minus strand). VCF-style: chr7-138745244-G-A. GRCh37 (hg19) VCF-style: chr7-138429989-G-A.
Other names: c.1357C>T, p.Leu453= (NM_130840.3, NM_130841.3).
Identifiers: ClinVar variation 4995944 (VCV004995944.1).